The following is an entry in ClinVar:

ClinVar aggregate classification (germline): Conflicting classifications of pathogenicity. Review status: criteria provided, conflicting classifications (1 of 4 stars). 6 submissions from 6 submitters: Uncertain significance (3); Likely benign (2). 1 of the submissions does not count toward it. Last evaluated 2026-01-31.

Conditions:
AGL-related disorder. Also called: AGL-related condition.
Glycogen storage disease type III (GSD3). Also called: Cori disease; FORBES DISEASE. Identifiers: Orphanet 366, MedGen C0017922, MONDO:0009291, OMIM 232400.

Allele frequency attached by ClinVar (database versions not stated): gnomAD 0.00153 and 0.00159; TOPMed 0.00161; ESP Exome Variant Server 0.00192; 1000 Genomes Project 0.00260; 1000 Genomes Project 30x 0.00281.
gnomAD v4.1: 497 of 1,613,010 alleles (0.031%); highest among the groups gnomAD compares: African/African-American, 0.5%; no homozygotes.

Submissions (6):

Labcorp Genetics (formerly Invitae), Labcorp
Classification: Likely benign for Glycogen storage disease type III. Last evaluated: 2026-01-31. Review status: criteria provided, single submitter. Criteria: Invitae Variant Classification Sherloc (09022015). Collection method: clinical testing. Allele origin: germline.

GeneDx
Classification: Uncertain significance. Last evaluated: 2024-07-16. Review status: criteria provided, single submitter. Criteria: GeneDx Variant Classification Process June 2021. Collection method: clinical testing. Allele origin: germline. Affected: yes.
Comment: In silico analysis supports that this missense variant has a deleterious effect on protein structure/function; Has not been previously published as pathogenic or benign to our knowledge

Blueprint Genetics
Classification: Uncertain significance. Last evaluated: 2024-06-13. Review status: criteria provided, single submitter. Criteria: ACMG Guidelines, 2015. Collection method: clinical testing. Allele origin: germline.

Mayo Clinic Laboratories, Mayo Clinic
Classification: Uncertain significance. Last evaluated: 2023-02-16. Review status: criteria provided, single submitter. Criteria: ACMG Guidelines, 2015. Collection method: clinical testing. Allele origin: germline. Observed: 3 variant alleles.
Comment: BS1, PP3

Genome-Nilou Lab
Classification: Likely benign for Glycogen storage disease type III. Last evaluated: 2021-07-15. Review status: criteria provided, single submitter. Criteria: ACMG Guidelines, 2015. Collection method: clinical testing. Allele origin: germline. Affected: no.

PreventionGenetics, part of Exact Sciences
Classification: Likely benign for AGL-related condition. Last evaluated: 2019-08-12. Review status: no assertion criteria provided. Collection method: clinical testing. Allele origin: germline. Not counted in ClinVar's aggregate classification.
Comment: This variant is classified as likely benign based on ACMG/AMP sequence variant interpretation guidelines (Richards et al. 2015 PMID: 25741868, with internal and published modifications).

NM_000642.3(AGL):c.3764A>G (p.Asn1255Ser)

Gene: AGL (amylo-alpha-1,6-glucosidase and 4-alpha-glucanotransferase; plus strand). Cytogenetic location: 1p21.2.
Variant type: single nucleotide variant.
Coding change: c.3764A>G on transcript NM_000642.3 (MANE Select); coding-DNA position 3764, A replaced by G.
Protein change: p.Asn1255Ser; replaces asparagine 1255 with serine.
Molecular consequence: missense variant.
Genome position (GRCh38, 1-based): chr1:99,910,775, A>G. VCF-style: chr1-99910775-A-G. GRCh37 (hg19) VCF-style: chr1-100376331-A-G.
Other names: p.Asn1255Ser; c.3764A>G, p.Asn1255Ser (NM_000644.3, NM_001425325.1, NM_000028.3 and 1 more transcripts); c.3716A>G, p.Asn1239Ser (NM_000646.3); c.3743A>G, p.Asn1248Ser (NM_001425326.1); c.3563A>G, p.Asn1188Ser (NM_001425327.1); c.3560A>G, p.Asn1187Ser (NM_001425328.1); c.3425A>G, p.Asn1142Ser (NM_001425329.1); c.3386A>G, p.Asn1129Ser (NM_001425332.1); short protein forms N1255S, N1239S, N1129S, N1142S, N1187S, N1188S, N1248S.
Identifiers: ClinVar variation 456497 (VCV000456497.21), dbSNP rs138134718, ClinGen allele CA967210.